The following is an entry in ClinVar:

ClinVar aggregate classification (germline): Uncertain significance (1 of 4 stars; one submission).

Allele frequency attached by ClinVar (database versions not stated): ExAC 0.00002; gnomAD exomes 0.00002 and 0.00003.
gnomAD v4.1: 34 of 1,613,616 alleles (0.0021%); highest among the groups gnomAD compares: Non-Finnish European, 0.0025%; no homozygotes.

Submission:

GeneDx
Classification: Uncertain significance. Last evaluated: 2019-04-11. Review status: criteria provided, single submitter. Criteria: GeneDx Variant Classification Process June 2021. Collection method: clinical testing. Allele origin: germline. Affected: yes.
Comment: Not observed at a significant frequency in large population cohorts (Lek et al., 2016); In silico analysis, which includes protein predictors and evolutionary conservation, supports that this variant does not alter protein structure/function; Has not been previously published as pathogenic or benign to our knowledge

NM_001128159.3(VPS53):c.281G>A (p.Arg94Gln)

Gene: VPS53 (VPS53 subunit of GARP complex; minus strand). Cytogenetic location: 17p13.3.
Variant type: single nucleotide variant.
Coding change: c.281G>A on transcript NM_001128159.3 (MANE Select); coding-DNA position 281, G replaced by A.
Protein change: p.Arg94Gln; replaces arginine 94 with glutamine.
Molecular consequence: missense variant. On other transcripts: 5 prime UTR variant (1).
Genome position (GRCh38, 1-based): chr17:697,422, C>T on the plus strand (G>A on the coding strand, the complement: VPS53 is on the minus strand). VCF-style: chr17-697422-C-T. GRCh37 (hg19) VCF-style: chr17-600662-C-T.
Other names: c.281G>A, p.Arg94Gln (NM_001366253.2, NM_018289.4); c.-412G>A (NM_001366254.2); short protein forms R94Q.
Identifiers: ClinVar variation 1308491 (VCV001308491.2), dbSNP rs780440888, ClinGen allele CA8261793.